The following is an entry in ClinVar:

NM_000038.6(APC):c.423-690C>G

Gene: APC (APC regulator of WNT signaling pathway; plus strand). Cytogenetic location: 5q22.2.
Variant type: single nucleotide variant.
Coding change: c.423-690C>G on transcript NM_000038.6 (MANE Select); 690 bases into the intron before coding-DNA position 423, C replaced by G.
Molecular consequence: intron variant.
Genome position (GRCh38, 1-based): chr5:112,774,939, C>G. VCF-style: chr5-112774939-C-G. GRCh37 (hg19) VCF-style: chr5-112110636-C-G.
Other names: c.423-690C>G (NM_001354895.2, NM_001127510.3, NM_001354896.2 and 2 more transcripts); c.453-690C>G (NM_001354897.2, NM_001354902.2, NM_001127511.3); c.348-690C>G (NM_001354898.2, NM_001354904.2); c.-613-690C>G (NM_001354906.2); c.246-690C>G (NM_001354900.2, NM_001354901.2, NM_001354905.2).
Identifiers: ClinVar variation 82424 (VCV000082424.2), dbSNP rs76881115, ClinGen allele CA009360.

ClinVar aggregate classification (germline): other (0 of 4 stars; one submission).

Conditions:
Familial colorectal cancer. Identifiers: MedGen CN280943, MONDO:0023113. Disease mechanism: loss of function.

gnomAD v4.1: 1 of 152,076 alleles (0.00066%); highest among the groups gnomAD compares: Non-Finnish European, 0.0015%; no homozygotes.

Submission:

Systems Biology Platform Zhejiang California International NanoSystems Institute
Classification: other for Familial colorectal cancer. Review status: no assertion criteria provided. Collection method: not provided. Allele origin: unknown.
ClinVar note: Converted during submission from cancer to other.